The following is an entry in ClinVar:

ClinVar aggregate classification (germline): Pathogenic/Likely pathogenic. Review status: criteria provided, multiple submitters, no conflicts (2 of 4 stars). 2 submissions from 2 submitters: Pathogenic (1); Likely pathogenic (1). Last evaluated 2022-10-04.

Conditions:
Tuberous sclerosis 2 (TSC2). Identifiers: Orphanet 805, MedGen C1860707, MONDO:0013199, OMIM 613254.

Submissions (2):

Labcorp Genetics (formerly Invitae), Labcorp
Classification: Pathogenic for Tuberous sclerosis 2. Last evaluated: 2022-10-04. Review status: criteria provided, single submitter. Criteria: Invitae Variant Classification Sherloc (09022015). Collection method: clinical testing. Allele origin: germline.
Comment: This sequence change creates a premature translational stop signal (p.Gln1419Valfs*104) in the TSC2 gene. It is expected to result in an absent or disrupted protein product. Loss-of-function variants in TSC2 are known to be pathogenic (PMID: 10205261, 17304050). This variant is not present in population databases (gnomAD no frequency). This variant has not been reported in the literature in individuals affected with TSC2-related conditions. ClinVar contains an entry for this variant (Variation ID: 1300331). Algorithms developed to predict the effect of sequence changes on RNA splicing suggest that this variant may create or strengthen a splice site. For these reasons, this variant has been classified as Pathogenic.

GeneDx
Classification: Likely pathogenic. Last evaluated: 2021-03-17. Review status: criteria provided, single submitter. Criteria: GeneDx Variant Classification Process June 2021. Collection method: clinical testing. Allele origin: germline. Affected: yes.
Comment: Frameshift variant predicted to result in protein truncation or nonsense mediated decay in a gene for which loss-of-function is a known mechanism of disease; Not observed in large population cohorts (Lek et al., 2016); Has not been previously published as pathogenic or benign to our knowledge

Literature cited by the submitters: PubMed 10205261 (cited by Labcorp Genetics (formerly Invitae), Labcorp); PubMed 17304050 (cited by Labcorp Genetics (formerly Invitae), Labcorp).

NM_000548.5(TSC2):c.4255_4256del (p.Gln1419fs)

Gene: TSC2 (TSC complex subunit 2; plus strand). Cytogenetic location: 16p13.3.
Variant type: Microsatellite.
Coding change: c.4255_4256del on transcript NM_000548.5 (MANE Select); coding-DNA positions 4255 to 4256, 2 bases deleted (CA; older notation c.4255_4256delCA).
Protein change: p.Gln1419fs; shifts the reading frame from glutamine 1419.
Molecular consequence: frameshift variant.
Genome position (GRCh38, 1-based): chr16:2,084,477-2,084,478, CA deleted; deleting any 2 consecutive bases within chr16:2,084,475-2,084,478 gives the same sequence; the c. name uses the placement nearest the transcript's 3' end. VCF-style (leftmost placement, unchanged base first): chr16-2084474-TCA-T. GRCh37 (hg19) VCF-style: chr16-2134475-TCA-T.
Other names: c.4054_4055del, p.Gln1352fs (NM_001077183.3); c.4186_4187del, p.Gln1396fs (NM_001114382.3); c.3946_3947del, p.Gln1316fs (NM_001318827.2); c.3910_3911del, p.Gln1304fs (NM_001318829.2); c.3523_3524del, p.Gln1175fs (NM_001318831.2); c.4087_4088del, p.Gln1363fs (NM_001318832.2); c.4057_4058del, p.Gln1353fs (NM_001363528.2); c.4123_4124del, p.Gln1375fs (NM_001370404.1); and 1 more; short protein forms Q1175fs, Q1304fs, Q1316fs, Q1352fs, Q1353fs, Q1363fs, Q1375fs, Q1376fs.
Identifiers: ClinVar variation 1300331 (VCV001300331.6), dbSNP rs2151529577, ClinGen allele CA2580612718.